The following is an entry in ClinVar:

NM_198253.3(TERT):c.3202G>A (p.Glu1068Lys)

Gene: TERT (telomerase reverse transcriptase; minus strand). Cytogenetic location: 5p15.33.
Variant type: single nucleotide variant.
Coding change: c.3202G>A on transcript NM_198253.3 (MANE Select); coding-DNA position 3202, G replaced by A.
Protein change: p.Glu1068Lys; replaces glutamic acid 1068 with lysine.
Molecular consequence: missense variant. On other transcripts: non-coding transcript variant (2).
Genome position (GRCh38, 1-based): chr5:1,254,461, C>T on the plus strand (G>A on the coding strand, the complement: TERT is on the minus strand). VCF-style: chr5-1254461-C-T. GRCh37 (hg19) VCF-style: chr5-1254576-C-T.
Other names: p.Glu1068Lys; c.3013G>A, p.Glu1005Lys (NM_001193376.3); short protein forms E1005K, E1068K.
Identifiers: ClinVar variation 1695943 (VCV001695943.2), dbSNP rs1747569912, ClinGen allele CA359067439.
Genomic context (GRCh38, chr5:1,254,461, plus strand): 5'-TGACACGGTGTCGAGTCAGCTTGAGCAGGAATGCTTGGTGGCACAGCCACTGCACGGCCT[C>T]GGAGGGCAGAGGGCCGGCGGCGCCCTTGGCCCCCAGCGACATCCCTGGGGGAAAACAGAG-3'
Protein context (NP_937983.2, residues 1058-1078): AKGAAGPLPS[Glu1068Lys]AVQWLCHQAF

ClinVar aggregate classification (germline): Uncertain significance. Review status: criteria provided, single submitter (1 of 4 stars). 2 submissions from 2 submitters: Uncertain significance (1). 1 of the submissions does not count toward it. Last evaluated 2019-09-23.

Conditions:
Pulmonary fibrosis. Identifiers: MedGen C0034069, MONDO:0002771, HP:0002206.

Allele frequency attached by ClinVar (database versions not stated): gnomAD exomes below 0.00001; TOPMed 0.00001.
gnomAD v4.1: 1 of 1,612,958 alleles (0.000062%); highest among the groups gnomAD compares: Non-Finnish European, 0.000085%; no homozygotes.

Submissions (2):

Blueprint Genetics
Classification: Uncertain significance. Last evaluated: 2019-09-23. Review status: criteria provided, single submitter. Criteria: ACMG Guidelines, 2015. Collection method: clinical testing. Allele origin: germline.

Garcia Pulmonary Genetics Research Laboratory, Columbia University Irving Medical Center
Classification: Likely risk allele for Pulmonary fibrosis. Last evaluated: 2022-06-09. Review status: no assertion criteria provided. Collection method: research. Allele origin: germline. Affected: yes. Not counted in ClinVar's aggregate classification.
Comment: Leukocyte telomere length (by qPCR) less than 10th percentile age-adjusted